The following is an entry in ClinVar:

NC_012920.1(MT-ND1):m.3505A>G

Gene: MT-ND1 (mitochondrially encoded NADH dehydrogenase 1; plus strand).
Variant type: single nucleotide variant.
Genome position: chrM-3505-A-G.
Identifiers: ClinVar variation 252456 (VCV000252456.6), dbSNP rs28358585, ClinGen allele CA10586050.

ClinVar aggregate classification (germline): Benign/Likely benign. Review status: criteria provided, multiple submitters, no conflicts (2 of 4 stars). 5 submissions from 5 submitters: Benign (4); Likely benign (1). Last evaluated 2025-02-16.

Conditions:
Leigh syndrome (NULS). Also called: Leigh's necrotizing encephalopathy; Leigh's disease; LEIGH SYNDROME, NUCLEAR; Leigh Syndrome (mtDNA deletion); Leigh Disease; Leigh's syndrome. Identifiers: Orphanet 506, MedGen C2931891, MONDO:0009723, OMIM 256000.

Submissions (5):

Laboratory of Genetics, Children's Clinical University Hospital Latvia
Classification: Likely benign. Last evaluated: 2025-02-16. Review status: criteria provided, single submitter. Criteria: ACMG Guidelines, 2015. Collection method: clinical testing. Allele origin: germline. Affected: yes.

Wong Mito Lab, Molecular and Human Genetics, Baylor College of Medicine
Classification: Benign for Leigh syndrome. Last evaluated: 2019-10-17. Review status: criteria provided, single submitter. Criteria: Modified ACMG Guidelines (Unpublished). Collection method: clinical testing. Allele origin: germline.
Comment: The NC_012920.1:m.3505A>G (YP_003024026.1:p.Thr67Ala) variant in MTND1 gene is interpretated to be a Benign variant based on the modified ACMG guidelines (unpublished). This variant meets the following evidence codes: BA1

Athena Diagnostics
Classification: Benign. Last evaluated: 2019-02-13. Review status: criteria provided, single submitter. Criteria: Athena Diagnostics Criteria. Collection method: clinical testing. Allele origin: germline.

Genomic Diagnostic Laboratory, Division of Genomic Diagnostics, Children's Hospital of Philadelphia
Classification: Benign. Last evaluated: 2015-08-10. Review status: criteria provided, single submitter. Criteria: DGD Variant Analysis Guidelines. Collection method: clinical testing. Allele origin: unknown.

Breakthrough Genomics
Classification: Benign. Review status: criteria provided, single submitter. Criteria: ACMG Guidelines, 2015. Collection method: not provided. Allele origin: germline. Inheritance: Unknown mechanism. Affected: yes.

Literature cited by the submitters: PubMed 16807713 (cited by Athena Diagnostics); PubMed 16738010 (cited by Athena Diagnostics); PubMed 17517629 (cited by Athena Diagnostics); PubMed 21296687 (cited by Athena Diagnostics); PubMed 21129724 (cited by Athena Diagnostics); PubMed 20978534 (cited by Athena Diagnostics); PubMed 22780954 (cited by Athena Diagnostics); PubMed 26262956 (cited by Athena Diagnostics); PubMed 24153443 (cited by Athena Diagnostics); PubMed 24146900 (cited by Athena Diagnostics); PubMed 24986921 (cited by Athena Diagnostics); PubMed 26428318 (cited by Athena Diagnostics); PubMed 27343181 (cited by Athena Diagnostics); PubMed 28187756 (cited by Athena Diagnostics); PubMed 29330893 (cited by Athena Diagnostics); PubMed 28708239 (cited by Athena Diagnostics).